The following is an entry in ClinVar:

NM_001364905.1(LRBA):c.6046+1892_6046+1910del

Gene: LRBA (LPS responsive beige-like anchor protein; minus strand). Cytogenetic location: 4q31.3.
Variant type: Deletion.
Coding change: c.6046+1892_6046+1910del on transcript NM_001364905.1 (MANE Select); bases 1892 to 1910 of the intron after coding-DNA position 6046, 19 bases deleted (TGTGCATTTTTAAATTGAG).
Molecular consequence: intron variant.
Genome position (GRCh38, 1-based): chr4:150,597,097-150,597,115, CTCAATTTAAAAATGCACA deleted on the plus strand (TGTGCATTTTTAAATTGAG on the coding strand, the reverse complement: LRBA is on the minus strand); deleting any 19 consecutive bases within chr4:150,597,097-150,597,117 gives the same sequence; the c. name uses the placement nearest the transcript's 3' end. VCF-style (leftmost placement, unchanged base first): chr4-150597096-TCTCAATTTAAAAATGCACA-T. GRCh37 (hg19) VCF-style: chr4-151518248-TCTCAATTTAAAAATGCACA-T.
Other names: c.6046+1892_6046+1910del (NM_001367550.1, NM_001199282.3, NM_001440431.1).
Identifiers: ClinVar variation 4781497 (VCV004781497.1).

ClinVar aggregate classification (germline): Pathogenic (1 of 4 stars; one submission).

Conditions:
Combined immunodeficiency due to LRBA deficiency. Also called: Common variable immunodeficiency 8, with autoimmunity. Identifiers: Orphanet 445018, MedGen C3553512, MONDO:0013863, OMIM 614700.

Submission:

Labcorp Genetics (formerly Invitae), Labcorp
Classification: Pathogenic for Combined immunodeficiency due to LRBA deficiency. Last evaluated: 2025-03-03. Review status: criteria provided, single submitter. Criteria: Invitae Variant Classification Sherloc (09022015). Collection method: clinical testing. Allele origin: germline.
Comment: This sequence change creates a premature translational stop signal (p.Val2016Glufs*24) in the LRBA gene. It is expected to result in an absent or disrupted protein product. Loss-of-function variants in LRBA are known to be pathogenic (PMID: 26206937, 26768763). This variant is present in population databases (no rsID available, gnomAD 0.006%). This variant has not been reported in the literature in individuals affected with LRBA-related conditions. For these reasons, this variant has been classified as Pathogenic.

Literature cited by the submitters: PubMed 26206937; PubMed 26768763.